The following is an entry in ClinVar:

ClinVar aggregate classification (germline): Uncertain significance (1 of 4 stars; one submission).

Conditions:
Inborn genetic diseases. Identifiers: MedGen C0950123, MeSH D030342.

Submission:

Ambry Genetics
Classification: Uncertain significance for Inborn genetic diseases. Last evaluated: 2025-11-30. Review status: criteria provided, single submitter. Criteria: Ambry Variant Classification Scheme 2023. Collection method: clinical testing. Allele origin: germline.
Comment: The p.E842A variant (also known as c.2525A>C), located in coding exon 1 of the SAMD9 gene, results from an A to C substitution at nucleotide position 2525. The glutamic acid at codon 842 is replaced by alanine, an amino acid with dissimilar properties. This amino acid position is conserved. In addition, this alteration is predicted to be tolerated by in silico analysis. Based on the available evidence, the clinical significance of this variant remains unclear.

NM_017654.4(SAMD9):c.2525A>C (p.Glu842Ala)

Gene: SAMD9 (sterile alpha motif domain containing 9; minus strand). Cytogenetic location: 7q21.2.
Variant type: single nucleotide variant.
Coding change: c.2525A>C on transcript NM_017654.4 (MANE Select); coding-DNA position 2525, A replaced by C.
Protein change: p.Glu842Ala; replaces glutamic acid 842 with alanine.
Molecular consequence: missense variant.
Genome position (GRCh38, 1-based): chr7:93,103,573, T>G on the plus strand (A>C on the coding strand, the complement: SAMD9 is on the minus strand). VCF-style: chr7-93103573-T-G. GRCh37 (hg19) VCF-style: chr7-92732886-T-G.
Other names: c.2525A>C, p.Glu842Ala (NM_001193307.2); short protein forms E842A.
Identifiers: ClinVar variation 3949745 (VCV003949745.2).